The following is an entry in ClinVar:

ClinVar aggregate classification (germline): Likely pathogenic (1 of 4 stars; one submission).

Conditions:
Zellweger spectrum disorders (ZS). Also called: Zellweger Spectrum Disorder (ZSD); Zellweger syndrome; Zellweger Spectrum Disorder; Zellweger Spectrum. Identifiers: Orphanet 912, MedGen C0043459, MONDO:0019609.

gnomAD v4.1: 1 of 1,613,648 alleles (0.000062%); highest among the groups gnomAD compares: Non-Finnish European, 0.000085%; no homozygotes.

Submission:

Natera, Inc.
Classification: Likely pathogenic for Zellweger syndrome. Last evaluated: 2024-04-06. Review status: criteria provided, single submitter. Criteria: Natera Variant Classification Schema (03/2026). Collection method: clinical testing. Allele origin: germline.
Comment: The c.532C>T variant in PEX1 is a nonsense variant predicted to introduce a stop codon at amino acid 178. This variant is expected to result in nonsense mediated decay, truncation, or a dysfunctional protein product. This variant is rare in the general population with a frequency below the threshold expected for the associated phenotype(s). Given the available evidence, this variant is classified as Likely Pathogenic.

NM_000466.3(PEX1):c.532C>T (p.Gln178Ter)

Gene: PEX1 (peroxisomal biogenesis factor 1; minus strand). Cytogenetic location: 7q21.2.
Variant type: single nucleotide variant.
Coding change: c.532C>T on transcript NM_000466.3 (MANE Select); coding-DNA position 532, C replaced by T.
Protein change: p.Gln178Ter; replaces glutamine 178 with a stop codon.
Molecular consequence: nonsense. On other transcripts: 5 prime UTR variant (1).
Genome position (GRCh38, 1-based): chr7:92,517,983, G>A on the plus strand (C>T on the coding strand, the complement: PEX1 is on the minus strand). VCF-style: chr7-92517983-G-A. GRCh37 (hg19) VCF-style: chr7-92147297-G-A.
Other names: c.532C>T, p.Gln178Ter (NM_001282677.2); c.-93C>T (NM_001282678.2); short protein forms Q178*.
Identifiers: ClinVar variation 4818414 (VCV004818414.1).